The following is an entry in ClinVar:

NM_001374353.1(GLI2):c.3083A>T (p.Asp1028Val)

Gene: GLI2 (GLI family zinc finger 2; plus strand). Cytogenetic location: 2q14.2.
Variant type: single nucleotide variant.
Coding change: c.3083A>T on transcript NM_001374353.1 (MANE Select); coding-DNA position 3083, A replaced by T.
Protein change: p.Asp1028Val; replaces aspartic acid 1028 with valine.
Molecular consequence: missense variant.
Genome position (GRCh38, 1-based): chr2:120,989,048, A>T. VCF-style: chr2-120989048-A-T. GRCh37 (hg19) VCF-style: chr2-121746624-A-T.
Other names: c.3134A>T, p.Asp1045Val (NM_001371271.1, NM_005270.5); c.2708A>T, p.Asp903Val (NM_001374354.1); short protein forms D1028V, D1045V, D903V.
Identifiers: ClinVar variation 3756295 (VCV003756295.2).

ClinVar aggregate classification (germline): Uncertain significance (1 of 4 stars; one submission).

Conditions:
Postaxial polydactyly-anterior pituitary anomalies-facial dysmorphism syndrome. Also called: Culler-Jones syndrome. Identifiers: Orphanet 420584, MedGen C4014479, MONDO:0014369, OMIM 615849.
Holoprosencephaly 9 (HPE9). Also called: HOLOPROSENCEPHALY WITH MICROPHTHALMIA AND FIRST BRANCHIAL ARCH ANOMALIES; PITUITARY ANOMALIES WITH HOLOPROSENCEPHALY-LIKE FEATURES. Identifiers: Orphanet 2162, MedGen C1835819, MONDO:0012563, OMIM 610829.

gnomAD v4.1: 1 of 1,607,686 alleles (0.000062%); highest among the groups gnomAD compares: Admixed American, 0.0017%; no homozygotes.

Submission:

Labcorp Genetics (formerly Invitae), Labcorp
Classification: Uncertain significance for Postaxial polydactyly-anterior pituitary anomalies-facial dysmorphism syndrome; Holoprosencephaly 9. Last evaluated: 2024-10-16. Review status: criteria provided, single submitter. Criteria: Invitae Variant Classification Sherloc (09022015). Collection method: clinical testing. Allele origin: germline.
Comment: This sequence change replaces aspartic acid, which is acidic and polar, with valine, which is neutral and non-polar, at codon 1045 of the GLI2 protein (p.Asp1045Val). This variant is present in population databases (no rsID available, gnomAD 0.003%). This variant has not been reported in the literature in individuals affected with GLI2-related conditions. An algorithm developed to predict the effect of missense changes on protein structure and function (PolyPhen-2) suggests that this variant is likely to be tolerated. In summary, the available evidence is currently insufficient to determine the role of this variant in disease. Therefore, it has been classified as a Variant of Uncertain Significance.